The following is an entry in ClinVar:

ClinVar aggregate classification (germline): Likely benign (0 of 4 stars; one submission).

Conditions:
KIF26B-related disorder. Also called: KIF26B-related condition.

Allele frequency attached by ClinVar (database versions not stated): TOPMed 0.00001; ExAC 0.00003; gnomAD exomes 0.00003; gnomAD 0.00005; 1000 Genomes Project 0.00020; 1000 Genomes Project 30x 0.00031.
gnomAD v4.1: 59 of 1,613,294 alleles (0.0037%); highest among the groups gnomAD compares: Admixed American, 0.012%; no homozygotes.

Submission:

PreventionGenetics, part of Exact Sciences
Classification: Likely benign for KIF26B-related condition. Last evaluated: 2019-09-13. Review status: no assertion criteria provided. Collection method: clinical testing. Allele origin: germline.
Comment: This variant is classified as likely benign based on ACMG/AMP sequence variant interpretation guidelines (Richards et al. 2015 PMID: 25741868, with internal and published modifications).

NM_018012.4(KIF26B):c.3780G>A (p.Pro1260=)

Gene: KIF26B (kinesin family member 26B; plus strand). Cytogenetic location: 1q44.
Variant type: single nucleotide variant.
Coding change: c.3780G>A on transcript NM_018012.4 (MANE Select); coding-DNA position 3780, G replaced by A.
Protein change: p.Pro1260=; no amino-acid change (proline 1260 retained).
Molecular consequence: synonymous variant.
Genome position (GRCh38, 1-based): chr1:245,686,763, G>A. VCF-style: chr1-245686763-G-A. GRCh37 (hg19) VCF-style: chr1-245850065-G-A.
Identifiers: ClinVar variation 3040193 (VCV003040193.2), dbSNP rs568690550, ClinGen allele CA1488333.
Genomic context (GRCh38, chr1:245,686,763, plus strand): 5'-GTGCTACTCCAGCACGGCCCCCGTCTCCGAGGTCAGCATCACACAGTTCTTGCCCCTCCC[G>A]AAGATGAGCCTGGATGAGAAGGCCCAGGACGCAGGGAGCAGACGCTCTTCCATCAGCTCC-3'
Protein context (NP_060482.2, residues 1250-1270): EVSITQFLPL[Pro1260=]KMSLDEKAQD